The following is an entry in ClinVar:

ClinVar aggregate classification (germline): Uncertain significance (0 of 4 stars; one submission).

Conditions:
H19-related disorder. Also called: H19-related condition.

Submission:

PreventionGenetics, part of Exact Sciences
Classification: Uncertain significance for H19-related condition. Last evaluated: 2024-07-23. Review status: no assertion criteria provided. Collection method: clinical testing. Allele origin: germline.
Comment: The H19 n.-3863T>C is a noncoding alteration. This variant resides in the 5' promoter of H19. To our knowledge, this variant has not been reported in the literature or in a large population database, indicating it is rare. H19 promoter variants have been associated with Silver-Russel syndrome and Beckwith-Wiedemann syndrome (see for example, Demars et al. 2010. PubMed ID: 20007505); however, no examples occur in the immediate vicinity of this variant. At this time, the clinical significance of this variant is uncertain due to the absence of conclusive functional and genetic evidence.

NC_000011.10:g.2001738A>G

Genes: H19 (H19 imprinted maternally expressed transcript; minus strand), H19-ICR (H19/IGF2 imprinting control region; plus strand), MRPL23 (mitochondrial ribosomal protein L23; plus strand). Cytogenetic location: 11p15.5.
Variant type: single nucleotide variant.
Molecular consequence: intron variant (on NM_001400176.1).
Genome position: GRCh38 VCF-style: chr11-2001738-A-G. GRCh37 (hg19) VCF-style: chr11-2022968-A-G.
Other names: c.498-9803A>G (NM_001400176.1).
Identifiers: ClinVar variation 3346082 (VCV003346082.1).